The following is an entry in ClinVar:

NM_001042492.3(NF1):c.6254del (p.Met2085fs)

Gene: NF1 (neurofibromin 1; plus strand). Cytogenetic location: 17q11.2.
Variant type: Deletion.
Coding change: c.6254del on transcript NM_001042492.3 (MANE Select); coding-DNA position 6254, one base deleted (T; older notation c.6254delT).
Protein change: p.Met2085fs; shifts the reading frame from methionine 2085.
Molecular consequence: frameshift variant.
Genome position (GRCh38, 1-based): chr17:31,336,741, T deleted. VCF-style (leftmost placement, unchanged base first): chr17-31336740-AT-A. GRCh37 (hg19) VCF-style: chr17-29663758-AT-A.
Other names: c.6191delT, p.Met2064Serfs (NM_000267.4); short protein forms M2085fs, M2064fs.
Identifiers: ClinVar variation 3722371 (VCV003722371.2).

ClinVar aggregate classification (germline): Pathogenic (1 of 4 stars; one submission).

Conditions:
Neurofibromatosis, type 1 (NF1). Also called: VON RECKLINGHAUSEN DISEASE; NEUROFIBROMATOSIS, TYPE I, SOMATIC; Peripheral type neurofibromatosis; Neurofibromatosis, type I. Identifiers: Orphanet 636, MedGen C0027831, MONDO:0018975, OMIM 162200. Disease mechanism: loss of function.

Submission:

Labcorp Genetics (formerly Invitae), Labcorp
Classification: Pathogenic for Neurofibromatosis, type 1. Last evaluated: 2024-11-06. Review status: criteria provided, single submitter. Criteria: Invitae Variant Classification Sherloc (09022015). Collection method: clinical testing. Allele origin: germline.
Comment: This sequence change creates a premature translational stop signal (p.Met2064Serfs*2) in the NF1 gene. It is expected to result in an absent or disrupted protein product. Loss-of-function variants in NF1 are known to be pathogenic (PMID: 10712197, 23913538). This variant is not present in population databases (gnomAD no frequency). This variant has not been reported in the literature in individuals affected with NF1-related conditions. Algorithms developed to predict the effect of sequence changes on RNA splicing suggest that this variant may disrupt the consensus splice site. For these reasons, this variant has been classified as Pathogenic.

Literature cited by the submitters: PubMed 10712197; PubMed 23913538.